The following is an entry in ClinVar:

NM_198253.3(TERT):c.1034T>A (p.Phe345Tyr)

Gene: TERT (telomerase reverse transcriptase; minus strand). Cytogenetic location: 5p15.33.
Variant type: single nucleotide variant.
Coding change: c.1034T>A on transcript NM_198253.3 (MANE Select); coding-DNA position 1034, T replaced by A.
Protein change: p.Phe345Tyr; replaces phenylalanine 345 with tyrosine.
Molecular consequence: missense variant. On other transcripts: non-coding transcript variant (2).
Genome position (GRCh38, 1-based): chr5:1,293,852, A>T on the plus strand (T>A on the coding strand, the complement: TERT is on the minus strand). VCF-style: chr5-1293852-A-T. GRCh37 (hg19) VCF-style: chr5-1293967-A-T.
Other names: c.1034T>A, p.Phe345Tyr (NM_001193376.3, NM_003219.1); short protein forms F345Y.
Identifiers: ClinVar variation 2454091 (VCV002454091.2), dbSNP rs2478415652, ClinGen allele CA359055855.

ClinVar aggregate classification (germline): Uncertain significance (1 of 4 stars; one submission).

Conditions:
Dyskeratosis congenita. Identifiers: Orphanet 1775, MedGen C0265965, MONDO:0015780.

Submission:

Ambry Genetics
Classification: Uncertain significance for Dyskeratosis congenita. Last evaluated: 2023-02-23. Review status: criteria provided, single submitter. Criteria: Ambry Variant Classification Scheme 2023. Collection method: clinical testing. Allele origin: germline.
Comment: The p.F345Y variant (also known as c.1034T>A), located in coding exon 2 of the TERT gene, results from a T to A substitution at nucleotide position 1034. The phenylalanine at codon 345 is replaced by tyrosine, an amino acid with highly similar properties. This amino acid position is conserved. In addition, the in silico prediction for this alteration is inconclusive. Since supporting evidence is limited at this time, the clinical significance of this alteration remains unclear.